The following is an entry in ClinVar:

ClinVar aggregate classification (germline): Uncertain significance. Review status: criteria provided, single submitter (1 of 4 stars). 2 submissions from 2 submitters: Uncertain significance (1). 1 of the submissions does not count toward it. Last evaluated 2022-03-21.

Conditions:
Myopia 6 (MYP6). Identifiers: MedGen C1837148, MONDO:0012154, OMIM 608908.

Allele frequency attached by ClinVar (database versions not stated): gnomAD exomes 0.00001; gnomAD 0.00003; TOPMed 0.00004; ExAC 0.00005.
gnomAD v4.1: 23 of 1,614,062 alleles (0.0014%); highest among the groups gnomAD compares: South Asian, 0.0044%; no homozygotes.

Submissions (2):

Labcorp Genetics (formerly Invitae), Labcorp
Classification: Uncertain significance. Last evaluated: 2022-03-21. Review status: criteria provided, single submitter. Criteria: Invitae Variant Classification Sherloc (09022015). Collection method: clinical testing. Allele origin: germline.
Comment: This sequence change replaces glycine, which is neutral and non-polar, with serine, which is neutral and polar, at codon 235 of the SCO2 protein (p.Gly235Ser). This variant is present in population databases (rs777327176, gnomAD 0.01%). This variant has not been reported in the literature in individuals affected with SCO2-related conditions. Algorithms developed to predict the effect of missense changes on protein structure and function are either unavailable or do not agree on the potential impact of this missense change (SIFT: "Deleterious"; PolyPhen-2: "Probably Damaging"; Align-GVGD: "Class C0"). In summary, the available evidence is currently insufficient to determine the role of this variant in disease. Therefore, it has been classified as a Variant of Uncertain Significance.

Solve-RD Consortium
Classification: Likely pathogenic for Myopia 6. Last evaluated: 2022-06-01. Review status: no assertion criteria provided. Collection method: provider interpretation. Allele origin: inherited. Affected: yes. Not counted in ClinVar's aggregate classification.
Comment: Variant confirmed as disease-causing by referring clinical team

Variant identified during reanalysis of unsolved cases by the Solve-RD project. The Solve-RD project has received funding from the European Union’s Horizon 2020 research and innovation programme under grant agreement No 779257.

Literature cited by the submitters: PubMed 39825153 (cited by Solve-RD Consortium).

NM_005138.3(SCO2):c.703G>A (p.Gly235Ser)

Genes: NCAPH2 (non-SMC condensin II complex subunit H2; plus strand), SCO2 (synthesis of cytochrome C oxidase 2; minus strand). Cytogenetic location: 22q13.33.
Variant type: single nucleotide variant.
Coding change: c.703G>A on transcript NM_005138.3 (MANE Select); coding-DNA position 703, G replaced by A.
Protein change: p.Gly235Ser; replaces glycine 235 with serine.
Molecular consequence: missense variant. On other transcripts: 3 prime UTR variant (2).
Genome position (GRCh38, 1-based): chr22:50,523,709, C>T on the plus strand (G>A on the coding strand, the complement: SCO2 is on the minus strand). VCF-style: chr22-50523709-C-T. GRCh37 (hg19) VCF-style: chr22-50962138-C-T.
Other names: c.*334C>T (NM_001185011.2, NM_152299.4); c.703G>A, p.Gly235Ser (NM_001169109.2, NM_001169110.1, NM_001169111.2); short protein forms G235S.
Identifiers: ClinVar variation 2076200 (VCV002076200.2), dbSNP rs777327176, ClinGen allele CA10321140.